The following is an entry in ClinVar:

NM_005802.5(TOPORS):c.241T>A (p.Ser81Thr)

Gene: TOPORS (TOP1 binding arginine/serine rich protein, E3 ubiquitin ligase; minus strand). Cytogenetic location: 9p21.1.
Variant type: single nucleotide variant.
Coding change: c.241T>A on transcript NM_005802.5 (MANE Select); coding-DNA position 241, T replaced by A.
Protein change: p.Ser81Thr; replaces serine 81 with threonine.
Molecular consequence: missense variant.
Genome position (GRCh38, 1-based): chr9:32,544,284, A>T on the plus strand (T>A on the coding strand, the complement: TOPORS is on the minus strand). VCF-style: chr9-32544284-A-T. GRCh37 (hg19) VCF-style: chr9-32544282-A-T.
Other names: c.46T>A, p.Ser16Thr (NM_001195622.2); short protein forms S16T, S81T.
Identifiers: ClinVar variation 1479691 (VCV001479691.8), dbSNP rs973149849, ClinGen allele CA192359663.

ClinVar aggregate classification (germline): Uncertain significance (1 of 4 stars; one submission).

Allele frequency attached by ClinVar (database versions not stated): gnomAD exomes below 0.00001; gnomAD 0.00001; TOPMed 0.00002.
gnomAD v4.1: 3 of 1,603,900 alleles (0.00019%); highest among the groups gnomAD compares: Non-Finnish European, 0.00025%; no homozygotes.

Submission:

Labcorp Genetics (formerly Invitae), Labcorp
Classification: Uncertain significance. Last evaluated: 2021-04-27. Review status: criteria provided, single submitter. Criteria: Invitae Variant Classification Sherloc (09022015). Collection method: clinical testing. Allele origin: germline.
Comment: This sequence change replaces serine with threonine at codon 81 of the TOPORS protein (p.Ser81Thr). The serine residue is moderately conserved and there is a small physicochemical difference between serine and threonine. This variant is not present in population databases (ExAC no frequency). This variant has not been reported in the literature in individuals with TOPORS-related conditions. Algorithms developed to predict the effect of missense changes on protein structure and function are either unavailable or do not agree on the potential impact of this missense change (SIFT: "Tolerated"; PolyPhen-2: "Probably Damaging"; Align-GVGD: "Class C0"). In summary, the available evidence is currently insufficient to determine the role of this variant in disease. Therefore, it has been classified as a Variant of Uncertain Significance.